The following is an entry in ClinVar:

ClinVar aggregate classification (germline): Uncertain significance (1 of 4 stars; one submission).

Conditions:
Short-rib thoracic dysplasia 6 with or without polydactyly (SRTD6). Also called: POLYDACTYLY WITH NEONATAL CHONDRODYSTROPHY, TYPE II; Majewski Syndrome; SHORT RIB-POLYDACTYLY SYNDROME, TYPE IIA; SHORT-RIB THORACIC DYSPLASIA 6 WITH POLYDACTYLY; SHORT-RIB THORACIC DYSPLASIA 6 WITHOUT POLYDACTYLY. Identifiers: MedGen C0024507, MONDO:0009894, OMIM 263520.

Submission:

Labcorp Genetics (formerly Invitae), Labcorp
Classification: Uncertain significance for Short-rib thoracic dysplasia 6 with or without polydactyly. Last evaluated: 2024-06-13. Review status: criteria provided, single submitter. Criteria: Invitae Variant Classification Sherloc (09022015). Collection method: clinical testing. Allele origin: germline.
Comment: This sequence change replaces valine, which is neutral and non-polar, with methionine, which is neutral and non-polar, at codon 513 of the NEK1 protein (p.Val513Met). This variant is not present in population databases (gnomAD no frequency). This variant has not been reported in the literature in individuals affected with NEK1-related conditions. Advanced modeling of protein sequence and biophysical properties (such as structural, functional, and spatial information, amino acid conservation, physicochemical variation, residue mobility, and thermodynamic stability) performed at Invitae indicates that this missense variant is not expected to disrupt NEK1 protein function with a negative predictive value of 95%. In summary, the available evidence is currently insufficient to determine the role of this variant in disease. Therefore, it has been classified as a Variant of Uncertain Significance.

NM_001199397.3(NEK1):c.1537G>A (p.Val513Met)

Gene: NEK1 (NIMA related kinase 1; minus strand). Cytogenetic location: 4q33.
Variant type: single nucleotide variant.
Coding change: c.1537G>A on transcript NM_001199397.3 (MANE Select); coding-DNA position 1537, G replaced by A.
Protein change: p.Val513Met; replaces valine 513 with methionine.
Molecular consequence: missense variant. On other transcripts: non-coding transcript variant (1), intron variant (3).
Genome position (GRCh38, 1-based): chr4:169,555,745, C>T on the plus strand (G>A on the coding strand, the complement: NEK1 is on the minus strand). VCF-style: chr4-169555745-C-T. GRCh37 (hg19) VCF-style: chr4-170476896-C-T.
Other names: c.1537G>A, p.Val513Met (NM_001374418.1, NM_001374419.1, NM_012224.4); c.1486G>A, p.Val496Met (NM_001374420.1); c.1411G>A, p.Val471Met (NM_001374421.1); c.1355+187G>A (NM_001199399.3); c.1430+187G>A (NM_001199398.3, NM_001199400.3); short protein forms V496M, V513M, V471M.
Identifiers: ClinVar variation 3637036 (VCV003637036.2).